The following is an entry in ClinVar:

ClinVar aggregate classification (germline): Likely benign (0 of 4 stars; one submission).

Conditions:
FSIP2-related disorder. Also called: FSIP2-related condition.

Allele frequency attached by ClinVar (database versions not stated): ExAC 0.00007; TOPMed 0.00015; 1000 Genomes Project 30x 0.00016; gnomAD exomes 0.00017; gnomAD 0.00018.
gnomAD v4.1: 274 of 1,531,766 alleles (0.018%); highest among the groups gnomAD compares: Non-Finnish European, 0.021%; no homozygotes.

Submission:

PreventionGenetics, part of Exact Sciences
Classification: Likely benign for FSIP2-related condition. Last evaluated: 2019-05-27. Review status: no assertion criteria provided. Collection method: clinical testing. Allele origin: germline.
Comment: This variant is classified as likely benign based on ACMG/AMP sequence variant interpretation guidelines (Richards et al. 2015 PMID: 25741868, with internal and published modifications).

NM_173651.4(FSIP2):c.15531T>C (p.Asp5177=)

Gene: FSIP2 (fibrous sheath interacting protein 2; plus strand). Cytogenetic location: 2q32.1.
Variant type: single nucleotide variant.
Coding change: c.15531T>C on transcript NM_173651.4 (MANE Select); coding-DNA position 15531, T replaced by C.
Protein change: p.Asp5177=; no amino-acid change (aspartic acid 5177 retained).
Molecular consequence: synonymous variant.
Genome position (GRCh38, 1-based): chr2:185,804,837, T>C. VCF-style: chr2-185804837-T-C. GRCh37 (hg19) VCF-style: chr2-186669564-T-C.
Identifiers: ClinVar variation 3039212 (VCV003039212.2), dbSNP rs750198095, ClinGen allele CA2017123.